The following is an entry in ClinVar:

ClinVar aggregate classification (germline): Uncertain significance (1 of 4 stars; one submission).

Allele frequency attached by ClinVar (database versions not stated): gnomAD exomes below 0.00001.
gnomAD v4.1: 4 of 1,612,324 alleles (0.00025%); highest among the groups gnomAD compares: African/African-American, 0.0013%; no homozygotes.

Submission:

Labcorp Genetics (formerly Invitae), Labcorp
Classification: Uncertain significance. Last evaluated: 2025-08-21. Review status: criteria provided, single submitter. Criteria: Invitae Variant Classification Sherloc (09022015). Collection method: clinical testing. Allele origin: germline.
Comment: This sequence change replaces alanine, which is neutral and non-polar, with threonine, which is neutral and polar, at codon 346 of the MPDZ protein (p.Ala346Thr). This variant is not present in population databases (gnomAD no frequency). This variant has not been reported in the literature in individuals affected with MPDZ-related conditions. ClinVar contains an entry for this variant (Variation ID: 1492560). An algorithm developed to predict the effect of missense changes on protein structure and function outputs the following: PolyPhen-2: "Benign". The threonine amino acid residue is found in multiple mammalian species, which suggests that this missense change does not adversely affect protein function. In summary, the available evidence is currently insufficient to determine the role of this variant in disease. Therefore, it has been classified as a Variant of Uncertain Significance.

NM_001378778.1(MPDZ):c.1036G>A (p.Ala346Thr)

Gene: MPDZ (multiple PDZ domain crumbs cell polarity complex component; minus strand). Cytogenetic location: 9p23.
Variant type: single nucleotide variant.
Coding change: c.1036G>A on transcript NM_001378778.1 (MANE Select); coding-DNA position 1036, G replaced by A.
Protein change: p.Ala346Thr; replaces alanine 346 with threonine.
Molecular consequence: missense variant.
Genome position (GRCh38, 1-based): chr9:13,219,609, C>T on the plus strand (G>A on the coding strand, the complement: MPDZ is on the minus strand). VCF-style: chr9-13219609-C-T. GRCh37 (hg19) VCF-style: chr9-13219608-C-T.
Other names: c.1036G>A, p.Ala346Thr (NM_001261406.2, NM_001261407.2, NM_001330637.2 and 14 more transcripts); short protein forms A346T.
Identifiers: ClinVar variation 1492560 (VCV001492560.6), dbSNP rs559289035, ClinGen allele CA189321677.